The following is an entry in ClinVar:

ClinVar aggregate classification (germline): Likely benign. Review status: criteria provided, single submitter (1 of 4 stars). 2 submissions from 2 submitters: Likely benign (1). 1 of the submissions does not count toward it. Last evaluated 2025-08-18.

Conditions:
CLUAP1-related disorder. Also called: CLUAP1-related condition.

Allele frequency attached by ClinVar (database versions not stated): gnomAD 0.00001 and 0.00002; TOPMed 0.00002; 1000 Genomes Project 30x 0.00016; 1000 Genomes Project 0.00020.
gnomAD v4.1: 39 of 1,614,102 alleles (0.0024%); highest among the groups gnomAD compares: Admixed American, 0.0067%; no homozygotes.

Submissions (2):

Labcorp Genetics (formerly Invitae), Labcorp
Classification: Likely benign. Last evaluated: 2025-08-18. Review status: criteria provided, single submitter. Criteria: Invitae Variant Classification Sherloc (09022015). Collection method: clinical testing. Allele origin: germline.

PreventionGenetics, part of Exact Sciences
Classification: Likely benign for CLUAP1-related condition. Last evaluated: 2019-06-05. Review status: no assertion criteria provided. Collection method: clinical testing. Allele origin: germline. Not counted in ClinVar's aggregate classification.
Comment: This variant is classified as likely benign based on ACMG/AMP sequence variant interpretation guidelines (Richards et al. 2015 PMID: 25741868, with internal and published modifications).

NM_015041.3(CLUAP1):c.1158C>T (p.Asp386=)

Gene: CLUAP1 (clusterin associated protein 1; plus strand). Cytogenetic location: 16p13.3.
Variant type: single nucleotide variant.
Coding change: c.1158C>T on transcript NM_015041.3 (MANE Select); coding-DNA position 1158, C replaced by T.
Protein change: p.Asp386=; no amino-acid change (aspartic acid 386 retained).
Molecular consequence: synonymous variant.
Genome position (GRCh38, 1-based): chr16:3,536,187, C>T. VCF-style: chr16-3536187-C-T. GRCh37 (hg19) VCF-style: chr16-3586187-C-T.
Other names: c.1215C>T, p.Asp405= (NM_001330454.2); c.660C>T, p.Asp220= (NM_024793.3); c.1158C>T (NM_015041.2).
Identifiers: ClinVar variation 1638905 (VCV001638905.10), dbSNP rs377448455, ClinGen allele CA276948772.